The following is an entry in ClinVar:

ClinVar aggregate classification (germline): Pathogenic (1 of 4 stars; one submission).

Submission:

Labcorp Genetics (formerly Invitae), Labcorp
Classification: Pathogenic. Last evaluated: 2023-08-17. Review status: criteria provided, single submitter. Criteria: Invitae Variant Classification Sherloc (09022015). Collection method: clinical testing. Allele origin: unknown.
Comment: This variant is a gross deletion of the genomic region encompassing exon(s) 3-5 of the TMC1 gene, which includes the initiator codon. This deletion extends beyond the assayed region for this gene and therefore may encompass additional genes. It is expected to result in an absent or disrupted protein product. Loss-of-function variants in TMC1 are known to be pathogenic (PMID: 11850618, 22105175). This variant has not been reported in the literature in individuals affected with TMC1-related conditions. For these reasons, this variant has been classified as Pathogenic.

Literature cited by the submitters: PubMed 11850618; PubMed 22105175.

NC_000009.11:g.(?_75231331)_(75263600_?)del

Gene: TMC1 (transmembrane channel like 1; plus strand). Cytogenetic location: 9q21.13.
Variant type: Deletion.
Identifiers: ClinVar variation 3245396 (VCV003245396.1).